The following is an entry in ClinVar:

NM_001184900.3(CARD8):c.1245A>T (p.Gln415His)

Gene: CARD8 (caspase recruitment domain family member 8; minus strand). Cytogenetic location: 19q13.33.
Variant type: single nucleotide variant.
Coding change: c.1245A>T on transcript NM_001184900.3 (MANE Select); coding-DNA position 1245, A replaced by T.
Protein change: p.Gln415His; replaces glutamine 415 with histidine.
Molecular consequence: missense variant. On other transcripts: non-coding transcript variant (2), intron variant (7).
Genome position (GRCh38, 1-based): chr19:48,218,929, T>A on the plus strand (A>T on the coding strand, the complement: CARD8 is on the minus strand). VCF-style: chr19-48218929-T-A. GRCh37 (hg19) VCF-style: chr19-48722186-T-A.
Other names: c.1095A>T, p.Gln365His (NM_001184901.1, NM_001351783.2, NM_014959.5); c.1245A>T, p.Gln415His (NM_001351782.2); c.930A>T, p.Gln310His (NM_001351784.2, NM_001351787.2); c.909A>T, p.Gln303His (NM_001351786.2); c.927A>T, p.Gln309His (NM_001365950.1); c.846+2801A>T (NM_001351791.2, NM_001351792.2); c.1011+2801A>T (NM_001351788.2, NM_001351789.2); c.918+2801A>T (NM_001351790.2); and 1 more; short protein forms Q303H, Q309H, Q310H, Q365H, Q415H.
Identifiers: ClinVar variation 999304 (VCV000999304.6), dbSNP rs1568678740, ClinGen allele CA406664712.

ClinVar aggregate classification (germline): Uncertain significance (1 of 4 stars; one submission).

gnomAD v4.1: 7 of 1,613,996 alleles (0.00043%); highest among the groups gnomAD compares: Non-Finnish European, 0.00051%; no homozygotes.

Submission:

Labcorp Genetics (formerly Invitae), Labcorp
Classification: Uncertain significance. Last evaluated: 2021-10-21. Review status: criteria provided, single submitter. Criteria: Invitae Variant Classification Sherloc (09022015). Collection method: clinical testing. Allele origin: germline.
Comment: Algorithms developed to predict the effect of missense changes on protein structure and function are either unavailable or do not agree on the potential impact of this missense change (SIFT: "Tolerated"; PolyPhen-2: "Possibly Damaging"; Align-GVGD: "Class C0"). This variant has not been reported in the literature in individuals affected with CARD8-related conditions. This variant is not present in population databases (ExAC no frequency). This sequence change replaces glutamine with histidine at codon 365 of the CARD8 protein (p.Gln365His). The glutamine residue is moderately conserved and there is a small physicochemical difference between glutamine and histidine. In summary, the available evidence is currently insufficient to determine the role of this variant in disease. Therefore, it has been classified as a Variant of Uncertain Significance.